The following is an entry in ClinVar:

NM_000057.4(BLM):c.2404C>T (p.Gln802Ter)

Gene: BLM (BLM RecQ like helicase; plus strand). Cytogenetic location: 15q26.1.
Variant type: single nucleotide variant.
Coding change: c.2404C>T on transcript NM_000057.4 (MANE Select); coding-DNA position 2404, C replaced by T.
Protein change: p.Gln802Ter; replaces glutamine 802 with a stop codon.
Molecular consequence: nonsense.
Genome position (GRCh38, 1-based): chr15:90,769,229, C>T. VCF-style: chr15-90769229-C-T. GRCh37 (hg19) VCF-style: chr15-91312459-C-T.
Other names: c.2404C>T, p.Gln802Ter (NM_001287246.2, NM_001287247.2); c.1279C>T, p.Gln427Ter (NM_001287248.2); short protein forms Q427*, Q802*.
Identifiers: ClinVar variation 1459839 (VCV001459839.6), dbSNP rs2151165848, ClinGen allele CA393845230.
Genomic context (GRCh38, chr15:90,769,229, plus strand): 5'-AATCTCTATGAGAGGAAGCTCTTGGCACGTTTTGTTATTGATGAAGCACATTGTGTCAGT[C>T]AGGTAAATACTGTTTTTTATATCCGGAAATACCGATAAATACATACTACCAACAATATAT-3'

ClinVar aggregate classification (germline): Pathogenic (1 of 4 stars; one submission).

Conditions:
Bloom syndrome (BLM). Also called: Bloom-Torre-Machacek syndrome. Identifiers: Orphanet 125, MedGen C0005859, MONDO:0008876, OMIM 210900.

Submission:

Labcorp Genetics (formerly Invitae), Labcorp
Classification: Pathogenic for Bloom syndrome. Last evaluated: 2021-02-14. Review status: criteria provided, single submitter. Criteria: Invitae Variant Classification Sherloc (09022015). Collection method: clinical testing. Allele origin: germline.
Comment: For these reasons, this variant has been classified as Pathogenic. This variant has not been reported in the literature in individuals with BLM-related conditions. This variant is not present in population databases (ExAC no frequency). This sequence change creates a premature translational stop signal (p.Gln802*) in the BLM gene. It is expected to result in an absent or disrupted protein product. Loss-of-function variants in BLM are known to be pathogenic (PMID: 17407155).

Literature cited by the submitters: PubMed 17407155.